The following is an entry in ClinVar:

NM_001112741.2(KCNC1):c.1278C>T (p.Leu426=)

Gene: KCNC1 (potassium voltage-gated channel subfamily C member 1; plus strand). Cytogenetic location: 11p15.1.
Variant type: single nucleotide variant.
Coding change: c.1278C>T on transcript NM_001112741.2 (MANE Select); coding-DNA position 1278, C replaced by T.
Protein change: p.Leu426=; no amino-acid change (leucine 426 retained).
Molecular consequence: synonymous variant.
Genome position (GRCh38, 1-based): chr11:17,772,372, C>T. VCF-style: chr11-17772372-C-T. GRCh37 (hg19) VCF-style: chr11-17793919-C-T.
Other names: c.1278C>T, p.Leu426= (NM_004976.4).
Identifiers: ClinVar variation 2062294 (VCV002062294.29), dbSNP rs769341904, ClinGen allele CA5906791.

ClinVar aggregate classification (germline): Likely benign. Review status: criteria provided, multiple submitters, no conflicts (2 of 4 stars). 3 submissions from 3 submitters: Likely benign (3). Last evaluated 2025-01-20.

Conditions:
Progressive myoclonic epilepsy type 7. Identifiers: Orphanet 435438, MedGen C4015420, MONDO:0014521, OMIM 616187.

Allele frequency attached by ClinVar (database versions not stated): ExAC 0.00001; gnomAD 0.00003; TOPMed 0.00003.
gnomAD v4.1: 26 of 1,614,020 alleles (0.0016%); highest among the groups gnomAD compares: Admixed American, 0.005%; no homozygotes.

Submissions (3):

Labcorp Genetics (formerly Invitae), Labcorp
Classification: Likely benign for Progressive myoclonic epilepsy type 7. Last evaluated: 2025-01-20. Review status: criteria provided, single submitter. Criteria: Invitae Variant Classification Sherloc (09022015). Collection method: clinical testing. Allele origin: germline.

Blueprint Genetics
Classification: Likely benign. Last evaluated: 2024-02-29. Review status: criteria provided, single submitter. Criteria: ACMG Guidelines, 2015. Collection method: clinical testing. Allele origin: germline.

CeGaT Center for Human Genetics Tuebingen
Classification: Likely benign. Last evaluated: 2023-10-01. Review status: criteria provided, single submitter. Criteria: CeGaT Center For Human Genetics Tuebingen Variant Classification Criteria Version 2. Collection method: clinical testing. Allele origin: germline. Affected: yes. Observed: 1 variant allele.
Comment: KCNC1: BP4, BP7